The following is an entry in ClinVar:

NM_001291303.3(FAT4):c.3958C>A (p.Leu1320Ile)

Gene: FAT4 (FAT atypical cadherin 4; plus strand). Cytogenetic location: 4q28.1.
Variant type: single nucleotide variant.
Coding change: c.3958C>A on transcript NM_001291303.3 (MANE Select); coding-DNA position 3958, C replaced by A.
Protein change: p.Leu1320Ile; replaces leucine 1320 with isoleucine.
Molecular consequence: missense variant.
Genome position (GRCh38, 1-based): chr4:125,320,369, C>A. VCF-style: chr4-125320369-C-A. GRCh37 (hg19) VCF-style: chr4-126241524-C-A.
Other names: c.3958C>A, p.Leu1320Ile (NM_001291285.3, NM_024582.6); c.3958C>A (NM_001291303.1, NM_024582.4); short protein forms L1320I.
Identifiers: ClinVar variation 1581518 (VCV001581518.10), dbSNP rs551446826, ClinGen allele CA3072391.

ClinVar aggregate classification (germline): Conflicting classifications of pathogenicity. Review status: criteria provided, conflicting classifications (1 of 4 stars). 3 submissions from 3 submitters: Uncertain significance (1); Likely benign (1). 1 of the submissions does not count toward it. Last evaluated 2025-07-14.

Conditions:
Inborn genetic diseases. Identifiers: MedGen C0950123, MeSH D030342.
FAT4-related disorder. Also called: FAT4-related condition.

Allele frequency attached by ClinVar (database versions not stated): TOPMed 0.00002; gnomAD 0.00005; gnomAD exomes 0.00007 and 0.00015; ExAC 0.00013; 1000 Genomes Project 30x 0.00016; 1000 Genomes Project 0.00020.
gnomAD v4.1: 107 of 1,613,870 alleles (0.0066%); highest among the groups gnomAD compares: South Asian, 0.11%; no homozygotes.

Submissions (3):

Labcorp Genetics (formerly Invitae), Labcorp
Classification: Likely benign. Last evaluated: 2025-07-14. Review status: criteria provided, single submitter. Criteria: Invitae Variant Classification Sherloc (09022015). Collection method: clinical testing. Allele origin: germline.

Ambry Genetics
Classification: Uncertain significance for Inborn genetic diseases. Last evaluated: 2024-07-02. Review status: criteria provided, single submitter. Criteria: Ambry Variant Classification Scheme 2023. Collection method: clinical testing. Allele origin: germline.

PreventionGenetics, part of Exact Sciences
Classification: Uncertain significance for FAT4-related condition. Last evaluated: 2024-07-29. Review status: no assertion criteria provided. Collection method: clinical testing. Allele origin: germline. Not counted in ClinVar's aggregate classification.
Comment: The FAT4 c.3958C>A variant is predicted to result in the amino acid substitution p.Leu1320Ile. To our knowledge, this variant has not been reported in the literature. This variant is reported in 0.11% of alleles in individuals of South Asian descent in gnomAD, which may be too common to be causative. Although we suspect that this variant may be benign, at this time, the clinical significance of this variant is uncertain due to the absence of conclusive functional and genetic evidence.